The following is an entry in ClinVar:

NM_013339.4(ALG6):c.235_237del (p.His79del)

Gene: ALG6 (ALG6 alpha-1,3-glucosyltransferase; plus strand). Cytogenetic location: 1p31.3.
Variant type: Deletion.
Coding change: c.235_237del on transcript NM_013339.4 (MANE Select); coding-DNA positions 235 to 237, 3 bases deleted (CAT; older notation c.235_237delCAT).
Protein change: p.His79del; deletes histidine 79.
Molecular consequence: inframe deletion.
Genome position (GRCh38, 1-based): chr1:63,402,321-63,402,323, CAT deleted; deleting any 3 consecutive bases within chr1:63,402,319-63,402,323 gives the same sequence; the c. name uses the placement nearest the transcript's 3' end. VCF-style (leftmost placement, unchanged base first): chr1-63402318-TATC-T. GRCh37 (hg19) VCF-style: chr1-63867989-TATC-T.
Other names: c.235_237del, p.His79del (LRG_1260t1); short protein forms H79del.
Identifiers: ClinVar variation 556815 (VCV000556815.4), dbSNP rs1297610094, ClinGen allele CA658821066.

ClinVar aggregate classification (germline): Uncertain significance. Review status: criteria provided, single submitter (1 of 4 stars). 2 submissions from 2 submitters: Uncertain significance (1). 1 of the submissions does not count toward it. Last evaluated 2022-07-05.

Conditions:
ALG6-congenital disorder of glycosylation 1C (CDG1C). Also called: CDG Ic; Congenital disorder of glycosylation type 1C; Congenital disorder of glycosylation, type Ic; CARBOHYDRATE-DEFICIENT GLYCOPROTEIN SYNDROME, TYPE I, WITH DEFICIENT GLYCOSYLATION OF DOLICHOL-LINKED OLIGOSACCHARIDE; CARBOHYDRATE-DEFICIENT GLYCOPROTEIN SYNDROME, TYPE V. Identifiers: Orphanet 79320, MedGen C2930997, MONDO:0011291, OMIM 603147.

Submissions (2):

Labcorp Genetics (formerly Invitae), Labcorp
Classification: Uncertain significance for ALG6-congenital disorder of glycosylation 1C. Last evaluated: 2022-07-05. Review status: criteria provided, single submitter. Criteria: Invitae Variant Classification Sherloc (09022015). Collection method: clinical testing. Allele origin: germline.
Comment: This variant, c.235_237del, results in the deletion of 1 amino acid(s) of the ALG6 protein (p.His79del), but otherwise preserves the integrity of the reading frame. This variant is not present in population databases (gnomAD no frequency). This variant has not been reported in the literature in individuals affected with ALG6-related conditions. ClinVar contains an entry for this variant (Variation ID: 556815). Experimental studies and prediction algorithms are not available or were not evaluated, and the functional significance of this variant is currently unknown. In summary, the available evidence is currently insufficient to determine the role of this variant in disease. Therefore, it has been classified as a Variant of Uncertain Significance.

Counsyl
Classification: Uncertain significance for ALG6-congenital disorder of glycosylation 1C. Last evaluated: 2018-02-20. Review status: no assertion criteria provided. Collection method: clinical testing. Allele origin: unknown. Not counted in ClinVar's aggregate classification.